The following is an entry in ClinVar:

NM_020706.2(SCAF4):c.160-1G>A

Gene: SCAF4 (SR-related CTD associated factor 4; minus strand). Cytogenetic location: 21q22.11.
Variant type: single nucleotide variant.
Coding change: c.160-1G>A on transcript NM_020706.2 (MANE Select); the canonical splice acceptor site of the intron before coding-DNA position 160, G replaced by A.
Molecular consequence: splice acceptor variant.
Genome position (GRCh38, 1-based): chr21:31,703,927, C>T on the plus strand (G>A on the coding strand, the complement: SCAF4 is on the minus strand). VCF-style: chr21-31703927-C-T. GRCh37 (hg19) VCF-style: chr21-33076240-C-T.
Other names: c.115-1G>A (NM_001145444.1); c.160-1G>A (NM_001145445.1).
Identifiers: ClinVar variation 2775440 (VCV002775440.1), dbSNP rs2516811898, ClinGen allele CA410051453.
Genomic context (GRCh38, chr21:31,703,927, plus strand): 5'-AGACTGTCGCACAATTGAGTCAATTACATATAATCCCGGAACCTTGTATTCTGGTTTACA[C>T]TGCAAGGATAAAGATGTAAGATCAGTACAGAAAAAGCAAAGTCACAATCTGACACCCATT-3'

ClinVar aggregate classification (germline): Likely pathogenic (1 of 4 stars; one submission).

Conditions:
Fliedner-Zweier syndrome (FZS). Identifiers: MedGen C5882693, MONDO:0957787, OMIM 620511.

Submission:

Institute of Immunology and Genetics Kaiserslautern
Classification: Likely pathogenic for Fliedner-Zweier syndrome. Last evaluated: 2024-02-01. Review status: criteria provided, single submitter. Criteria: ACMG Guidelines, 2015. Collection method: clinical testing. Allele origin: maternal. Affected: yes.
Comment: ACMG Criteria: PM2, PVS1; Variant was found in heterozygous state